The following is an entry in ClinVar:

ClinVar aggregate classification (germline): Pathogenic/Likely pathogenic. Review status: criteria provided, multiple submitters, no conflicts (2 of 4 stars). 2 submissions from 2 submitters: Pathogenic (1); Likely pathogenic (1). Last evaluated 2023-08-17.

Conditions:
FANCB-related disorder. Also called: FANCB-related condition.
Fanconi anemia (FA). Also called: Fanconi's anemia. Identifiers: Orphanet 84, MedGen C0015625, MeSH D005199, MONDO:0019391.

Submissions (2):

Labcorp Genetics (formerly Invitae), Labcorp
Classification: Pathogenic for Fanconi anemia. Last evaluated: 2023-08-17. Review status: criteria provided, single submitter. Criteria: Invitae Variant Classification Sherloc (09022015). Collection method: clinical testing. Allele origin: germline.
Comment: For these reasons, this variant has been classified as Pathogenic. This variant has not been reported in the literature in individuals affected with FANCB-related conditions. This variant is not present in population databases (gnomAD no frequency). This sequence change creates a premature translational stop signal (p.Pro284Leufs*44) in the FANCB gene. It is expected to result in an absent or disrupted protein product. Loss-of-function variants in FANCB are known to be pathogenic (PMID: 15502827, 23613520).

PreventionGenetics, part of Exact Sciences
Classification: Likely pathogenic for FANCB-related condition. Last evaluated: 2023-06-05. Review status: criteria provided, single submitter. Criteria: ACMG Guidelines, 2015. Collection method: clinical testing. Allele origin: germline.
Comment: The FANCB c.851delC variant is predicted to result in a frameshift and premature protein termination (p.Pro284Leufs*44). To our knowledge, this variant has not been reported in the literature or in a large population database, indicating this variant is rare. Frameshift variants in FANCB are expected to be pathogenic. This variant is interpreted as likely pathogenic.

Literature cited by the submitters: PubMed 15502827 (cited by Labcorp Genetics (formerly Invitae), Labcorp); PubMed 23613520 (cited by Labcorp Genetics (formerly Invitae), Labcorp).

NM_001018113.3(FANCB):c.851del (p.Pro284fs)

Gene: FANCB (FA complementation group B; minus strand). Cytogenetic location: Xp22.2.
Variant type: Deletion.
Coding change: c.851del on transcript NM_001018113.3 (MANE Select); coding-DNA position 851, one base deleted (C; older notation c.851delC).
Protein change: p.Pro284fs; shifts the reading frame from proline 284.
Molecular consequence: frameshift variant.
Genome position (GRCh38, 1-based): chrX:14,864,660, G deleted on the plus strand (C on the coding strand, the reverse complement: FANCB is on the minus strand); the first of 2 consecutive G bases (chrX:14,864,660-14,864,661); deleting either gives the same sequence. VCF-style (leftmost placement, unchanged base first): chrX-14864659-AG-A. GRCh37 (hg19) VCF-style: chrX-14882781-AG-A.
Other names: c.851del, p.Pro284fs (NM_001324162.2, NM_001410764.1, NM_152633.4); short protein forms P284fs.
Identifiers: ClinVar variation 2632184 (VCV002632184.4), dbSNP rs2519009603, ClinGen allele CA2695200164.